The following is an entry in ClinVar:

ClinVar aggregate classification (germline): Uncertain significance (0 of 4 stars; one submission).

Conditions:
Prostate cancer. Also called: Malignant tumor of prostate. Identifiers: Orphanet 1331, MedGen C0376358, MONDO:0008315, HP:0012125.

Submission:

Science for Life laboratory,  Karolinska Institutet
Classification: Uncertain significance for Malignant tumor of prostate. Review status: no assertion criteria provided. Collection method: not provided. Allele origin: somatic.
Comment: TumorID:SWE-19
ClinVar note: Converted during submission from Unknown to Uncertain significance.

NM_213589.3(RAPH1):c.1123G>T (p.Glu375Ter)

Gene: RAPH1 (Ras association (RalGDS/AF-6) and pleckstrin homology domains 1; minus strand). Cytogenetic location: 2q33.2.
Variant type: single nucleotide variant.
Coding change: c.1123G>T on transcript NM_213589.3 (MANE Select); coding-DNA position 1123, G replaced by T.
Protein change: p.Glu375Ter; replaces glutamic acid 375 with a stop codon.
Molecular consequence: nonsense.
Genome position (GRCh38, 1-based): chr2:203,457,565, C>A on the plus strand (G>T on the coding strand, the complement: RAPH1 is on the minus strand). VCF-style: chr2-203457565-C-A. GRCh37 (hg19) VCF-style: chr2-204322288-C-A.
Other names: c.1279G>T, p.Glu427Ter (NM_001329728.2, NM_203365.4); short protein forms E375*, E427*.
Identifiers: ClinVar variation 161861 (VCV000161861.2), dbSNP rs193920935, ClinGen allele CA174926.